The following is an entry in ClinVar:

NM_001267550.2(TTN):c.14784C>A (p.Leu4928=)

Gene: TTN (titin; minus strand). Cytogenetic location: 2q31.2.
Variant type: single nucleotide variant.
Coding change: c.14784C>A on transcript NM_001267550.2 (MANE Select); coding-DNA position 14784, C replaced by A.
Protein change: p.Leu4928=; no amino-acid change (leucine 4928 retained).
Molecular consequence: synonymous variant. On other transcripts: intron variant (3).
Genome position (GRCh38, 1-based): chr2:178,735,662, G>T on the plus strand (C>A on the coding strand, the complement: TTN is on the minus strand). VCF-style: chr2-178735662-G-T. GRCh37 (hg19) VCF-style: chr2-179600389-G-T.
Other names: c.13833C>A, p.Leu4611= (NM_001256850.1); c.11052C>A, p.Leu3684= (NM_133378.4); c.13282+2420C>A (NM_003319.4); c.13858+2420C>A (NM_133437.4); c.13657+2420C>A (NM_133432.3).
Identifiers: ClinVar variation 46593 (VCV000046593.32), dbSNP rs373875040, ClinGen allele CA138693.

ClinVar aggregate classification (germline): Benign/Likely benign. Review status: criteria provided, multiple submitters, no conflicts (2 of 4 stars). 13 submissions from 10 submitters: Benign (10); Likely benign (3). Last evaluated 2026-01-27.

Conditions:
Autosomal recessive limb-girdle muscular dystrophy type 2J (LGMDR10). Also called: Limb-girdle muscular dystrophy, type 2J; MUSCULAR DYSTROPHY, LIMB-GIRDLE, AUTOSOMAL RECESSIVE 10. Identifiers: Orphanet 140922, MedGen C1837342, MONDO:0012127, OMIM 608807.
Dilated cardiomyopathy 1G (CMD1G). Identifiers: Orphanet 154, MedGen C1858763, MONDO:0011400, OMIM 604145.
Early-onset myopathy with fatal cardiomyopathy (CMYO5). Also called: Salih Myopathy; CONGENITAL MYOPATHY 5 WITH CARDIOMYOPATHY. Identifiers: Orphanet 289377, MedGen C2673677, MONDO:0012714, OMIM 611705. Disease mechanism: loss of function.
Myopathy, myofibrillar, 9, with early respiratory failure (MFM9). Also called: Hereditary myopathy with early respiratory failure; EDSTROM MYOPATHY; MYOPATHY, PROXIMAL, WITH EARLY RESPIRATORY MUSCLE INVOLVEMENT; Myopathy, distal, with early respiratory failure, autosomal dominant. Identifiers: Orphanet 178464, Orphanet 34521, MedGen C1863599, MONDO:0011362, OMIM 603689.
Tibial muscular dystrophy (TMD). Also called: UDD MYOPATHY; Udd Distal Myopathy – Tibial Muscular Dystrophy; Tibial muscular dystrophy, tardive. Identifiers: Orphanet 609, MedGen C1838244, MONDO:0010870, OMIM 600334.

Allele frequency attached by ClinVar (database versions not stated): ExAC 0.00031; TOPMed 0.00080; 1000 Genomes Project 0.00100; 1000 Genomes Project 30x 0.00125; ESP Exome Variant Server 0.00143.
gnomAD v4.1: 248 of 1,613,746 alleles (0.015%); highest among the groups gnomAD compares: African/African-American, 0.27%; no homozygotes.

Submissions (13):

Labcorp Genetics (formerly Invitae), Labcorp
Classification: Benign for Dilated cardiomyopathy 1G; Autosomal recessive limb-girdle muscular dystrophy type 2J. Last evaluated: 2026-01-27. Review status: criteria provided, single submitter. Criteria: Invitae Variant Classification Sherloc (09022015). Collection method: clinical testing. Allele origin: germline.

Molecular Diagnostic Laboratory for Inherited Cardiovascular Disease, Montreal Heart Institute
Classification: Benign. Last evaluated: 2025-04-09. Review status: criteria provided, single submitter. Criteria: ACMG Guidelines, 2015. Collection method: clinical testing. Allele origin: germline. Affected: no.
Comment: BS1;BP6;BP7

Women's Health and Genetics/Laboratory Corporation of America, LabCorp
Classification: Likely benign. Last evaluated: 2025-02-24. Review status: criteria provided, single submitter. Criteria: LabCorp Variant Classification Summary - May 2015. Collection method: clinical testing. Allele origin: germline.

Blueprint Genetics
Classification: Likely benign. Last evaluated: 2024-11-11. Review status: criteria provided, single submitter. Criteria: ACMG Guidelines, 2015. Collection method: clinical testing. Allele origin: germline.

Genome-Nilou Lab
Classification: Benign for Autosomal recessive limb-girdle muscular dystrophy type 2J. Last evaluated: 2021-09-10. Review status: criteria provided, single submitter. Criteria: ACMG Guidelines, 2015. Collection method: clinical testing. Allele origin: germline. Affected: no.

Genome-Nilou Lab
Classification: Benign for Myopathy, myofibrillar, 9, with early respiratory failure. Last evaluated: 2021-09-10. Review status: criteria provided, single submitter. Criteria: ACMG Guidelines, 2015. Collection method: clinical testing. Allele origin: germline. Affected: no.

Genome-Nilou Lab
Classification: Benign for Early-onset myopathy with fatal cardiomyopathy. Last evaluated: 2021-09-10. Review status: criteria provided, single submitter. Criteria: ACMG Guidelines, 2015. Collection method: clinical testing. Allele origin: germline. Affected: no.

Genome-Nilou Lab
Classification: Benign for Tibial muscular dystrophy. Last evaluated: 2021-09-10. Review status: criteria provided, single submitter. Criteria: ACMG Guidelines, 2015. Collection method: clinical testing. Allele origin: germline. Affected: no.

ARUP Laboratories, Molecular Genetics and Genomics, ARUP Laboratories
Classification: Benign. Last evaluated: 2021-07-10. Review status: criteria provided, single submitter. Criteria: ARUP Molecular Germline Variant Investigation Process 2021. Collection method: clinical testing. Allele origin: germline.

Athena Diagnostics
Classification: Benign. Last evaluated: 2016-10-28. Review status: criteria provided, single submitter. Criteria: Athena Diagnostics Criteria. Collection method: clinical testing. Allele origin: germline.

Eurofins Ntd Llc (ga)
Classification: Likely benign. Last evaluated: 2015-08-21. Review status: criteria provided, single submitter. Criteria: EGL Classification Definitions 2015. Collection method: clinical testing. Allele origin: germline. Observed: 2 variant alleles, 2 heterozygotes.

GeneDx
Classification: Benign. Last evaluated: 2015-08-14. Review status: criteria provided, single submitter. Criteria: GeneDx Variant Classification (06012015). Collection method: clinical testing. Allele origin: germline. Affected: yes.
Comment: This variant is considered likely benign or benign based on one or more of the following criteria: it is a conservative change, it occurs at a poorly conserved position in the protein, it is predicted to be benign by multiple in silico algorithms, and/or has population frequency not consistent with disease.

Laboratory for Molecular Medicine, Mass General Brigham Personalized Medicine
Classification: Benign. Last evaluated: 2012-01-24. Review status: criteria provided, single submitter. Criteria: LMM Criteria. Collection method: clinical testing. Allele origin: germline. Observed: 2 variant alleles.